The following is an entry in ClinVar:

ClinVar aggregate classification (germline): Likely pathogenic (1 of 4 stars; one submission).

Conditions:
Fanconi anemia (FA). Also called: Fanconi's anemia. Identifiers: Orphanet 84, MedGen C0015625, MeSH D005199, MONDO:0019391.

Submissions (2):

Labcorp Genetics (formerly Invitae), Labcorp
Classification: Likely pathogenic for Fanconi anemia. Last evaluated: 2023-11-17. Review status: criteria provided, single submitter. Criteria: Invitae Variant Classification Sherloc (09022015). Collection method: clinical testing. Allele origin: germline.
Comment: This sequence change affects a donor splice site in intron 1 of the FANCL gene. It is expected to disrupt RNA splicing. Variants that disrupt the donor or acceptor splice site typically lead to a loss of protein function (PMID: 16199547), and loss-of-function variants in FANCL are known to be pathogenic (PMID: 19405097, 23613520). This variant is not present in population databases (gnomAD no frequency). This variant has not been reported in the literature in individuals affected with FANCL-related conditions. Algorithms developed to predict the effect of sequence changes on RNA splicing suggest that this variant may disrupt the consensus splice site. In summary, the currently available evidence indicates that the variant is pathogenic, but additional data are needed to prove that conclusively. Therefore, this variant has been classified as Likely Pathogenic.

Dr. Peter K. Rogan Lab, Western University
No classification provided (evidence only). Condition: Squamous cell lung carcinoma. Review status: no classification provided. Collection method: in vitro. Allele origin: not applicable. Functional consequence: retained intron. Not counted in ClinVar's aggregate classification.

Literature cited by the submitters: PubMed 16199547 (cited by Labcorp Genetics (formerly Invitae), Labcorp); PubMed 19405097 (cited by Labcorp Genetics (formerly Invitae), Labcorp); PubMed 23613520 (cited by Labcorp Genetics (formerly Invitae), Labcorp).

NM_018062.4(FANCL):c.96+2T>A

Gene: FANCL (FA complementation group L; minus strand). Cytogenetic location: 2p16.1.
Variant type: single nucleotide variant.
Coding change: c.96+2T>A on transcript NM_018062.4 (MANE Select); the canonical splice donor site of the intron after coding-DNA position 96, T replaced by A.
Molecular consequence: splice donor variant.
Genome position (GRCh38, 1-based): chr2:58,241,216, A>T on the plus strand (T>A on the coding strand, the complement: FANCL is on the minus strand). VCF-style: chr2-58241216-A-T. GRCh37 (hg19) VCF-style: chr2-58468351-A-T.
Other names: c.96+2T>A (NM_001374615.1, NM_001114636.2, NM_001410792.1).
Identifiers: ClinVar variation 2765430 (VCV002765430.4), dbSNP rs2467653249, ClinGen allele CA347035023.
Genomic context (GRCh38, chr2:58,241,216, plus strand): 5'-TTCTCCGCGCAGCTACGCTGCAAGAGGCTCTCTTAGCTAGAAAGCAACCACTGGGCGGGT[A>T]CCTGAGCCGAGATGAATCCCTCATACACGGTTTTCGACCGGTTCTGGGGCAGAAGCAGGG-3'